The following is an entry in ClinVar:

NM_000038.6(APC):c.5285A>G (p.Lys1762Arg)

Gene: APC (APC regulator of Wnt signaling pathway; plus strand). Cytogenetic location: 5q22.2.
Variant type: single nucleotide variant.
Coding change: c.5285A>G on transcript NM_000038.6 (MANE Select); coding-DNA position 5285, A replaced by G.
Protein change: p.Lys1762Arg; replaces lysine 1762 with arginine.
Molecular consequence: missense variant.
Genome position (GRCh38, 1-based): chr5:112,840,879, A>G. VCF-style: chr5-112840879-A-G. GRCh37 (hg19) VCF-style: chr5-112176576-A-G.
Other names: c.5285A>G, p.Lys1762Arg (NM_001127510.3, NM_001354895.2); c.5231A>G, p.Lys1744Arg (NM_001127511.3); c.5339A>G, p.Lys1780Arg (NM_001354896.2); c.5315A>G, p.Lys1772Arg (NM_001354897.2); c.5210A>G, p.Lys1737Arg (NM_001354898.2); c.5201A>G, p.Lys1734Arg (NM_001354899.2); c.5162A>G, p.Lys1721Arg (NM_001354900.2); c.5108A>G, p.Lys1703Arg (NM_001354901.2); and 5 more; short protein forms K1762R, K1744R, K1602R, K1772R, K1636R, K1734R, K1479R, K1661R.
Identifiers: ClinVar variation 537482 (VCV000537482.12), dbSNP rs1554086604, ClinGen allele CA16032882.

ClinVar aggregate classification (germline): Uncertain significance (1 of 4 stars; one submission).

Conditions:
Familial adenomatous polyposis 1 (FAP1). Also called: FAMILIAL ADENOMATOUS POLYPOSIS 1, ATTENUATED; POLYPOSIS, ADENOMATOUS INTESTINAL. Identifiers: MedGen C2713442, MONDO:0021056, OMIM 175100. Disease mechanism: loss of function.

gnomAD v4.1: 3 of 1,614,024 alleles (0.00019%); highest among the groups gnomAD compares: South Asian, 0.0033%; no homozygotes.

Submission:

Labcorp Genetics (formerly Invitae), Labcorp
Classification: Uncertain significance for Familial adenomatous polyposis 1. Last evaluated: 2025-12-20. Review status: criteria provided, single submitter. Criteria: Invitae Variant Classification Sherloc (09022015). Collection method: clinical testing. Allele origin: germline.
Comment: This sequence change replaces lysine, which is basic and polar, with arginine, which is basic and polar, at codon 1762 of the APC protein (p.Lys1762Arg). This variant is not present in population databases (gnomAD no frequency). This variant has not been reported in the literature in individuals affected with APC-related conditions. ClinVar contains an entry for this variant (Variation ID: 537482). Invitae Evidence Modeling of protein sequence and biophysical properties (such as structural, functional, and spatial information, amino acid conservation, physicochemical variation, residue mobility, and thermodynamic stability) indicates that this missense variant is not expected to disrupt APC protein function with a negative predictive value of 95%. In summary, the available evidence is currently insufficient to determine the role of this variant in disease. Therefore, it has been classified as a Variant of Uncertain Significance.